The following is an entry in ClinVar:

NM_003900.5(SQSTM1):c.635G>C (p.Arg212Pro)

Gene: SQSTM1 (sequestosome 1; plus strand). Cytogenetic location: 5q35.3.
Variant type: single nucleotide variant.
Coding change: c.635G>C on transcript NM_003900.5 (MANE Select); coding-DNA position 635, G replaced by C.
Protein change: p.Arg212Pro; replaces arginine 212 with proline.
Molecular consequence: missense variant.
Genome position (GRCh38, 1-based): chr5:179,824,285, G>C. VCF-style: chr5-179824285-G-C. GRCh37 (hg19) VCF-style: chr5-179251285-G-C.
Other names: c.383G>C, p.Arg128Pro (NM_001142298.2, NM_001142299.2); short protein forms R212P, R128P.
Identifiers: ClinVar variation 2946583 (VCV002946583.3), dbSNP rs763972646, ClinGen allele CA362445926.

ClinVar aggregate classification (germline): Uncertain significance (1 of 4 stars; one submission).

Conditions:
Frontotemporal dementia and/or amyotrophic lateral sclerosis 1 (FTDALS1). Also called: Frontotemporal dementia with motor neuron disease 1; C9orf72 Frontotemporal Dementia and/or Amyotrophic Lateral Sclerosis. Identifiers: Orphanet 275872, MedGen C5779877, MONDO:0007105, OMIM 105550.
Paget disease of bone 2, early-onset (PDB2). Also called: Paget disease of bone 2. Identifiers: MedGen C4085251, MONDO:0011183, OMIM 602080.

Submission:

Labcorp Genetics (formerly Invitae), Labcorp
Classification: Uncertain significance for Paget disease of bone 2, early-onset; Frontotemporal dementia and/or amyotrophic lateral sclerosis 1. Last evaluated: 2023-04-18. Review status: criteria provided, single submitter. Criteria: Invitae Variant Classification Sherloc (09022015). Collection method: clinical testing. Allele origin: germline.
Comment: This sequence change replaces arginine, which is basic and polar, with proline, which is neutral and non-polar, at codon 212 of the SQSTM1 protein (p.Arg212Pro). This variant has not been reported in the literature in individuals affected with SQSTM1-related conditions. This variant is not present in population databases (gnomAD no frequency). Advanced modeling of protein sequence and biophysical properties (such as structural, functional, and spatial information, amino acid conservation, physicochemical variation, residue mobility, and thermodynamic stability) performed at Invitae indicates that this missense variant is not expected to disrupt SQSTM1 protein function. In summary, the available evidence is currently insufficient to determine the role of this variant in disease. Therefore, it has been classified as a Variant of Uncertain Significance.